The following is an entry in ClinVar:

NM_000558.5(HBA1):c.353_355dup (p.Phe118_Thr119insIle)

Genes: HBA1 (hemoglobin subunit alpha 1; plus strand), LOC106804613 (hemoglobin subunit alpha 1 recombination region; plus strand). Cytogenetic location: 16p13.3.
Variant type: Duplication.
Coding change: c.353_355dup on transcript NM_000558.5 (MANE Select); coding-DNA positions 353 to 355, 3 bases duplicated (TCA; older notation c.353_355dupTCA).
Protein change: p.Phe118_Thr119insIle.
Molecular consequence: inframe insertion.
Genome position (GRCh38, 1-based): chr16:177,335-177,337, TCA duplicated. VCF-style (leftmost placement, unchanged base first): chr16-177334-T-TTCA. GRCh37 (hg19) VCF-style: chr16-227333-T-TTCA.
Identifiers: ClinVar variation 439100 (VCV000439100.8), dbSNP rs756774032, ClinGen allele CA7770281.
Genomic context (GRCh38, chr16:177,334, plus strand): 5'-TCTGCACAGCTCCTAAGCCACTGCCTGCTGGTGACCCTGGCCGCCCACCTCCCCGCCGAG[T>TTCA]TCACCCCTGCGGTGCACGCCTCCCTGGACAAGTTCCTGGCTTCTGTGAGCACCGTGCTGA-3'

ClinVar aggregate classification (germline): Conflicting classifications of pathogenicity. Review status: criteria provided, conflicting classifications (1 of 4 stars). 3 submissions from 3 submitters: Uncertain significance (1); Likely benign (2). Last evaluated 2025-04-21.

Conditions:
alpha Thalassemia. Also called: Alpha thalassemia spectrum. Identifiers: Orphanet 846, MedGen C0002312, MONDO:0011399, OMIM 604131.

Allele frequency attached by ClinVar (database versions not stated): TOPMed below 0.00001; gnomAD 0.00001; gnomAD exomes 0.00002; ExAC 0.00004.

Submissions (3):

ARUP Laboratories, Molecular Genetics and Genomics, ARUP Laboratories
Classification: Likely benign. Last evaluated: 2025-04-21. Review status: criteria provided, single submitter. Criteria: ARUP Molecular Germline Variant Investigation Process 2024. Collection method: clinical testing. Allele origin: germline.
Comment: The Hb Phnom Penh variant (HBA1: c.353_355dupTCA; p.Phe118_Thr119insIle, also known as Phe117_Thr118insIle when numbered from the mature protein, rs756774032, ClinVar Variation ID: 439100, HbVar ID: 734) is a stable hemoglobin reported in the literature in multiple hematologically normal heterozygous individuals (see HbVar and references therein). This variant has also been reported in an individual with the â€“SEA alpha globin deletion without exacerbating symptoms (Leung 2006). This variant is found in the East Asian population with an overall allele frequency of 0.04% (7/19796 alleles) in the Genome Aggregation Database (v2.1.1). This variant inserts a single isoleucine residue leaving the rest of the protein in-frame. Based on available information, this variant is considered to be likely benign. References: Link to HbVar database: Leung RY et al. Molecular diagnosis of a case of Hb Phnom Penh [alpha117(GH5)Phe-I1e-alpha118(H1)Thr (alpha1)]. Hemoglobin. 2006;30(3):397-9. PMID: 16840232.

Quest Diagnostics Nichols Institute San Juan Capistrano
Classification: Likely benign. Last evaluated: 2018-11-15. Review status: criteria provided, single submitter. Criteria: Quest Diagnostics criteria. Collection method: clinical testing. Allele origin: germline.

Juno Genomics, Hangzhou Juno Genomics, Inc
Classification: Uncertain significance for alpha Thalassemia. Review status: criteria provided, single submitter. Criteria: ACMG Guidelines, 2015. Collection method: clinical testing. Allele origin: germline.
Comment: Protein length changes due to in-frame deletions/insertions in a non-repeat region or stop-loss variants.;Absent from controls (or at extremely low frequency if recessive) in Genome Aggregation Database.

Literature cited by the submitters: PubMed 23215800 (cited by Quest Diagnostics Nichols Institute San Juan Capistrano); PubMed 22432594 (cited by Quest Diagnostics Nichols Institute San Juan Capistrano); PubMed 21599435 (cited by Quest Diagnostics Nichols Institute San Juan Capistrano); PubMed 16840232 (cited by Quest Diagnostics Nichols Institute San Juan Capistrano).